The following is an entry in ClinVar:

ClinVar aggregate classification (germline): Likely benign. Review status: criteria provided, multiple submitters, no conflicts (2 of 4 stars). 2 submissions from 2 submitters: Likely benign (2). Last evaluated 2026-06-01.

gnomAD v4.1: 4,907 of 1,593,532 alleles (0.31%); highest among the groups gnomAD compares: Non-Finnish European, 0.35%; 18 homozygotes.

Submissions (2):

CeGaT Center for Human Genetics Tuebingen
Classification: Likely benign. Last evaluated: 2026-06-01. Review status: criteria provided, single submitter. Criteria: CeGaT Center For Human Genetics Tuebingen Variant Classification Criteria Version 2. Collection method: clinical testing. Allele origin: germline. Affected: yes. Observed: 6 variant alleles.
Comment: OXR1: BP4, BP7, BS2

Blueprint Genetics
Classification: Likely benign. Last evaluated: 2024-11-14. Review status: criteria provided, single submitter. Criteria: ACMG Guidelines, 2015. Collection method: clinical testing. Allele origin: germline.

NM_001198533.2(OXR1):c.1662A>G (p.Leu554=)

Gene: OXR1 (oxidation resistance 1; plus strand). Cytogenetic location: 8q23.1.
Variant type: single nucleotide variant.
Coding change: c.1662A>G on transcript NM_001198533.2 (MANE Select); coding-DNA position 1662, A replaced by G.
Protein change: p.Leu554=; no amino-acid change (leucine 554 retained).
Molecular consequence: synonymous variant.
Genome position (GRCh38, 1-based): chr8:106,710,659, A>G. VCF-style: chr8-106710659-A-G. GRCh37 (hg19) VCF-style: chr8-107722887-A-G.
Other names: c.1665A>G, p.Leu555= (NM_001198532.1); c.1662A>G, p.Leu554= (NM_018002.3); c.1641A>G, p.Leu547= (NM_181354.4).
Identifiers: ClinVar variation 3770407 (VCV003770407.14).
Genomic context (GRCh38, chr8:106,710,659, plus strand): 5'-CACTGTTTGCATCTCAATTCTAGGTTCTGCACTTTTAAAAGAAAAGCAAAGGCATCGATT[A>G]CATAAGTTCTTGTGTCTCAGAGTTGGAAAACCAATGAGGAAAACGTTTGTATCTCAAGCA-3'
Protein context (NP_001185462.1, residues 544-564): ALLKEKQRHR[Leu554=]HKFLCLRVGK